The following is an entry in ClinVar:

NM_018117.12(WDR11):c.1006G>T (p.Val336Phe)

Gene: WDR11 (WD repeat domain 11; plus strand). Cytogenetic location: 10q26.12.
Variant type: single nucleotide variant.
Coding change: c.1006G>T on transcript NM_018117.12 (MANE Select); coding-DNA position 1006, G replaced by T.
Protein change: p.Val336Phe; replaces valine 336 with phenylalanine.
Molecular consequence: missense variant.
Genome position (GRCh38, 1-based): chr10:120,866,580, G>T. VCF-style: chr10-120866580-G-T. GRCh37 (hg19) VCF-style: chr10-122626092-G-T.
Other names: short protein forms V336F.
Identifiers: ClinVar variation 5007565 (VCV005007565.2).

ClinVar aggregate classification (germline): Uncertain significance (1 of 4 stars; one submission).

Conditions:
Hypogonadotropic hypogonadism 14 with or without anosmia (HH14). Also called: HYPOGONADOTROPIC HYPOGONADISM 14 WITHOUT ANOSMIA. Identifiers: Orphanet 478, MedGen C3540450, MONDO:0013926, OMIM 614858.

gnomAD v4.1: 2 of 1,614,100 alleles (0.00012%); highest among the groups gnomAD compares: East Asian, 0.0045%; no homozygotes.

Submission:

Juno Genomics, Hangzhou Juno Genomics, Inc
Classification: Uncertain significance for Hypogonadotropic hypogonadism 14 with or without anosmia. Review status: criteria provided, single submitter. Criteria: ACMG Guidelines, 2015. Collection method: clinical testing. Allele origin: germline.
Comment: Absent from controls (or at extremely low frequency if recessive) in Genome Aggregation Database.;Multiple lines of computational evidence support a deleterious effect on the gene or gene product.